The following is an entry in ClinVar:

NM_000535.7(PMS2):c.1484G>C (p.Gly495Ala)

Gene: PMS2 (PMS1 homolog 2, mismatch repair system component; minus strand). Cytogenetic location: 7p22.1.
Variant type: single nucleotide variant.
Coding change: c.1484G>C on transcript NM_000535.7 (MANE Select); coding-DNA position 1484, G replaced by C.
Protein change: p.Gly495Ala; replaces glycine 495 with alanine.
Molecular consequence: missense variant. On other transcripts: non-coding transcript variant (1).
Genome position (GRCh38, 1-based): chr7:5,987,281, C>G on the plus strand (G>C on the coding strand, the complement: PMS2 is on the minus strand). VCF-style: chr7-5987281-C-G. GRCh37 (hg19) VCF-style: chr7-6026912-C-G.
Other names: c.1079G>C, p.Gly360Ala (NM_001322005.2, NM_001322009.2, NM_001322003.2 and 1 more transcripts); c.1328G>C, p.Gly443Ala (NM_001322006.2); c.1166G>C, p.Gly389Ala (NM_001322007.2, NM_001322008.2); c.923G>C, p.Gly308Ala (NM_001322010.2); c.551G>C, p.Gly184Ala (NM_001322011.2, NM_001322012.2); c.911G>C, p.Gly304Ala (NM_001322013.2); c.1484G>C, p.Gly495Ala (NM_001322014.2); c.1175G>C, p.Gly392Ala (NM_001322015.2); and 1 more; short protein forms G495A, G184A, G308A, G392A, G304A, G360A, G443A, G389A.
Identifiers: ClinVar variation 419400 (VCV000419400.15), dbSNP rs1064793846, ClinGen allele CA16618507.

ClinVar aggregate classification (germline): Uncertain significance. Review status: criteria provided, multiple submitters, no conflicts (2 of 4 stars). 4 submissions from 4 submitters: Uncertain significance (4). Last evaluated 2026-01-05.

Conditions:
Hereditary nonpolyposis colorectal neoplasms. Identifiers: MedGen C0009405, MeSH D003123.
Hereditary cancer-predisposing syndrome. Also called: Hereditary neoplastic syndrome; Tumor predisposition; Neoplastic Syndromes, Hereditary; Hereditary Cancer Syndrome. Identifiers: Orphanet 140162, MedGen C0027672, MeSH D009386, MONDO:0015356.

Submissions (4):

Labcorp Genetics (formerly Invitae), Labcorp
Classification: Uncertain significance for Hereditary nonpolyposis colorectal neoplasms. Last evaluated: 2026-01-05. Review status: criteria provided, single submitter. Criteria: Invitae Variant Classification Sherloc (09022015). Collection method: clinical testing. Allele origin: germline.
Comment: This sequence change replaces glycine, which is neutral and non-polar, with alanine, which is neutral and non-polar, at codon 495 of the PMS2 protein (p.Gly495Ala). This variant is not present in population databases (gnomAD no frequency). This variant has not been reported in the literature in individuals affected with PMS2-related conditions. ClinVar contains an entry for this variant (Variation ID: 419400). Invitae Evidence Modeling incorporating data from in vitro experimental studies (internal data) indicates that this missense variant is not expected to disrupt PMS2 function with a negative predictive value of 95%. In summary, the available evidence is currently insufficient to determine the role of this variant in disease. Therefore, it has been classified as a Variant of Uncertain Significance.

Ambry Genetics
Classification: Uncertain significance for Hereditary cancer-predisposing syndrome. Last evaluated: 2024-08-24. Review status: criteria provided, single submitter. Criteria: Ambry Variant Classification Scheme 2023. Collection method: clinical testing. Allele origin: germline.
Comment: The p.G495A variant (also known as c.1484G>C), located in coding exon 11 of the PMS2 gene, results from a G to C substitution at nucleotide position 1484. The glycine at codon 495 is replaced by alanine, an amino acid with similar properties. This amino acid position is highly conserved in available vertebrate species. In addition, this alteration is predicted to be tolerated by in silico analysis. Since supporting evidence is limited at this time, the clinical significance of this alteration remains unclear.

Quest Diagnostics Nichols Institute San Juan Capistrano
Classification: Uncertain significance. Last evaluated: 2023-01-16. Review status: criteria provided, single submitter. Criteria: Quest Diagnostics criteria. Collection method: clinical testing. Allele origin: unknown.
Comment: The variant has not been reported in the published literature. It also has not been reported in large, multi-ethnic general populations. Analysis of this variant using bioinformatics tools for the prediction of the effect of amino acid changes on protein structure and function yielded conflicting predictions that this variant is benign or damaging. Based on the available information, we are unable to determine the clinical significance of this variant.

GeneDx
Classification: Uncertain significance. Last evaluated: 2020-02-12. Review status: criteria provided, single submitter. Criteria: GeneDx Variant Classification Process June 2021. Collection method: clinical testing. Allele origin: germline. Affected: yes.
Comment: Not observed in large population cohorts (Lek 2016); In silico analysis supports that this missense variant does not alter protein structure/function; Has not been previously published as pathogenic or benign to our knowledge